The following is an entry in ClinVar:

NM_000709.4(BCKDHA):c.1031C>T (p.Ala344Val)

Gene: BCKDHA (branched chain keto acid dehydrogenase E1 subunit alpha; plus strand). Cytogenetic location: 19q13.2.
Variant type: single nucleotide variant.
Coding change: c.1031C>T on transcript NM_000709.4 (MANE Select); coding-DNA position 1031, C replaced by T.
Protein change: p.Ala344Val; replaces alanine 344 with valine.
Molecular consequence: missense variant.
Genome position (GRCh38, 1-based): chr19:41,423,033, C>T. VCF-style: chr19-41423033-C-T. GRCh37 (hg19) VCF-style: chr19-41928938-C-T.
Other names: c.1028C>T, p.Ala343Val (NM_001164783.2); short protein forms A343V, A344V.
Identifiers: ClinVar variation 2142610 (VCV002142610.2), dbSNP rs146300600, ClinGen allele CA9461359.

ClinVar aggregate classification (germline): Uncertain significance. Review status: criteria provided, multiple submitters, no conflicts (2 of 4 stars). 2 submissions from 2 submitters: Uncertain significance (2). Last evaluated 2025-10-21.

Conditions:
Maple syrup urine disease (MSUD). Identifiers: Orphanet 511, MedGen C0024776, MeSH D008375, MONDO:0009563. Disease mechanism: loss of function.

Allele frequency attached by ClinVar (database versions not stated): gnomAD 0.00003; TOPMed 0.00004; ExAC 0.00006; gnomAD exomes 0.00007; ESP Exome Variant Server 0.00008; 1000 Genomes Project 30x 0.00016; 1000 Genomes Project 0.00020.
gnomAD v4.1: 109 of 1,607,844 alleles (0.0068%); highest among the groups gnomAD compares: Non-Finnish European, 0.0085%; no homozygotes.

Submissions (2):

Women's Health and Genetics/Laboratory Corporation of America, LabCorp
Classification: Uncertain significance. Last evaluated: 2025-10-21. Review status: criteria provided, single submitter. Criteria: LabCorp Variant Classification Summary - May 2015. Collection method: clinical testing. Allele origin: germline.
Comment: Variant summary: BCKDHA c.1031C>T (p.Ala344Val) results in a non-conservative amino acid change in the encoded protein sequence. Algorithms developed to predict the effect of missense changes on protein structure and function all suggest that this variant is likely to be disruptive. The variant allele was found at a frequency of 3.4e-05 in 237026 control chromosomes. The available data on variant occurrences in the general population are insufficient to allow any conclusion about variant significance. To our knowledge, no occurrence of c.1031C>T in individuals affected with BCKDHA-related conditions and no experimental evidence demonstrating its impact on protein function have been reported. ClinVar contains an entry for this variant (Variation ID: 2142610). Based on the evidence outlined above, the variant was classified as uncertain significance.

Labcorp Genetics (formerly Invitae), Labcorp
Classification: Uncertain significance for Maple syrup urine disease. Last evaluated: 2020-05-03. Review status: criteria provided, single submitter. Criteria: Invitae Variant Classification Sherloc (09022015). Collection method: clinical testing. Allele origin: germline.
Comment: This sequence change replaces alanine with valine at codon 344 of the BCKDHA protein (p.Ala344Val). The alanine residue is highly conserved and there is a small physicochemical difference between alanine and valine. This variant is present in population databases (rs146300600, ExAC 0.009%). This variant has not been reported in the literature in individuals with BCKDHA-related conditions. Algorithms developed to predict the effect of missense changes on protein structure and function are either unavailable or do not agree on the potential impact of this missense change (SIFT: "Deleterious"; PolyPhen-2: "Benign"; Align-GVGD: "Class C55"). In summary, the available evidence is currently insufficient to determine the role of this variant in disease. Therefore, it has been classified as a Variant of Uncertain Significance.